The following is an entry in ClinVar:

NM_002691.4(POLD1):c.519C>G (p.Ser173Arg)

Gene: POLD1 (DNA polymerase delta 1, catalytic subunit; plus strand). Cytogenetic location: 19q13.33.
Variant type: single nucleotide variant.
Coding change: c.519C>G on transcript NM_002691.4 (MANE Select); coding-DNA position 519, C replaced by G.
Protein change: p.Ser173Arg; replaces serine 173 with arginine.
Molecular consequence: missense variant. On other transcripts: non-coding transcript variant (1).
Genome position (GRCh38, 1-based): chr19:50,402,054, C>G. VCF-style: chr19-50402054-C-G. GRCh37 (hg19) VCF-style: chr19-50905311-C-G.
Other names: c.519C>G, p.Ser173Arg (NM_001256849.1, NM_001308632.1); c.519C>G (NM_002691.2); short protein forms S173R.
Identifiers: ClinVar variation 469359 (VCV000469359.11), dbSNP rs1555789901, ClinGen allele CA406973138.

ClinVar aggregate classification (germline): Conflicting classifications of pathogenicity. Review status: criteria provided, conflicting classifications (1 of 4 stars). 2 submissions from 2 submitters: Uncertain significance (1); Likely benign (1). Last evaluated 2024-11-08.

Conditions:
Hereditary cancer-predisposing syndrome. Also called: Neoplastic Syndromes, Hereditary; Hereditary neoplastic syndrome; Tumor predisposition; Hereditary Cancer Syndrome. Identifiers: Orphanet 140162, MedGen C0027672, MeSH D009386, MONDO:0015356.
POLD1-related polyposis and colorectal cancer syndrome (CRCS10). Also called: Colorectal cancer 10; COLORECTAL CANCER, SUSCEPTIBILITY TO, ON CHROMOSOME 19q; Colorectal cancer, susceptibility to, 10. Identifiers: Orphanet 220460, MedGen C2675481, MONDO:0012953, OMIM 612591.

Submissions (2):

Ambry Genetics
Classification: Likely benign for Hereditary cancer-predisposing syndrome. Last evaluated: 2024-11-08. Review status: criteria provided, single submitter. Criteria: Ambry Variant Classification Scheme 2023. Collection method: clinical testing. Allele origin: germline.

Labcorp Genetics (formerly Invitae), Labcorp
Classification: Uncertain significance for POLD1-related polyposis and colorectal cancer syndrome. Last evaluated: 2022-01-27. Review status: criteria provided, single submitter. Criteria: Invitae Variant Classification Sherloc (09022015). Collection method: clinical testing. Allele origin: germline.
Comment: In summary, the available evidence is currently insufficient to determine the role of this variant in disease. Therefore, it has been classified as a Variant of Uncertain Significance. Algorithms developed to predict the effect of missense changes on protein structure and function (SIFT, PolyPhen-2, Align-GVGD) all suggest that this variant is likely to be tolerated. ClinVar contains an entry for this variant (Variation ID: 469359). This missense change has been observed in individual(s) with breast cancer (PMID: 28202063). This variant is not present in population databases (gnomAD no frequency). This sequence change replaces serine, which is neutral and polar, with arginine, which is basic and polar, at codon 173 of the POLD1 protein (p.Ser173Arg).

Literature cited by the submitters: PubMed 28202063 (cited by Labcorp Genetics (formerly Invitae), Labcorp).